The following is an entry in ClinVar:

NC_000002.12:g.240042014A>G

Gene: PRR21 (proline rich 21; minus strand). Cytogenetic location: 2q37.3.
Variant type: single nucleotide variant.
Genome position: GRCh38 VCF-style: chr2-240042014-A-G. GRCh37 (hg19) VCF-style: chr2-240981431-A-G.
Identifiers: ClinVar variation 4681397 (VCV004681397.5).

ClinVar aggregate classification (germline): Likely benign (1 of 4 stars; one submission).

Submission:

CeGaT Center for Human Genetics Tuebingen
Classification: Likely benign. Last evaluated: 2025-12-01. Review status: criteria provided, single submitter. Criteria: CeGaT Center For Human Genetics Tuebingen Variant Classification Criteria Version 2. Collection method: clinical testing. Allele origin: germline. Affected: yes. Observed: 1 variant allele.
Comment: PRR21: BP4, BP7